The following is an entry in ClinVar:

ClinVar aggregate classification (germline): Benign. Review status: criteria provided, multiple submitters, no conflicts (2 of 4 stars). 7 submissions from 6 submitters: Benign (6). 1 of the submissions does not count toward it. Last evaluated 2026-02-04.

Conditions:
Usher syndrome type 2A. Also called: RETINAL DISEASE IN USHER SYNDROME TYPE IIA, MODIFIER OF; USHER SYNDROME, TYPE IIA. Identifiers: Orphanet 231178, Orphanet 886, MedGen C1848634, MONDO:0010169, OMIM 276901.
Retinitis pigmentosa 39 (RP39). Identifiers: Orphanet 791, MedGen C3151138, MONDO:0013436, OMIM 613809.

Submissions (14):

Labcorp Genetics (formerly Invitae), Labcorp
Classification: Benign. Last evaluated: 2026-02-04. Review status: criteria provided, single submitter. Criteria: Invitae Variant Classification Sherloc (09022015). Collection method: clinical testing. Allele origin: germline.

Genome-Nilou Lab
Classification: Benign for Retinitis pigmentosa 39. Last evaluated: 2023-04-11. Review status: criteria provided, single submitter. Criteria: ACMG Guidelines, 2015. Collection method: clinical testing. Allele origin: germline. Affected: no.

Genome-Nilou Lab
Classification: Benign for Usher syndrome type 2A. Last evaluated: 2023-04-11. Review status: criteria provided, single submitter. Criteria: ACMG Guidelines, 2015. Collection method: clinical testing. Allele origin: germline. Affected: no.

GeneDx
Classification: Benign. Last evaluated: 2019-08-18. Review status: criteria provided, single submitter. Criteria: GeneDx Variant Classification Process June 2021. Collection method: clinical testing. Allele origin: germline. Affected: yes.
Comment: This variant is associated with the following publications: (PMID: 31054281)

Eurofins Ntd Llc (ga)
Classification: Benign. Last evaluated: 2014-08-29. Review status: criteria provided, single submitter. Criteria: EGL Classification Definitions 2015. Collection method: clinical testing. Allele origin: germline. Observed: 4 variant alleles, 4 heterozygotes.

Laboratory for Molecular Medicine, Mass General Brigham Personalized Medicine
Classification: Benign. Last evaluated: 2014-02-01. Review status: criteria provided, single submitter. Criteria: LMM Criteria. Collection method: clinical testing. Allele origin: germline. Observed: 7 variant alleles.
Comment: 11549-5delT in intron 59 of USH2A: This variant is not expected to have clinica l significance because it has been identified in 2.0% (166/8241) of European Am erican chromosomes by the NHLBI Exome Sequencing Project, it occurs within a pol y-T tract, and is not predicted to impact splicing (/EVS/; dbSNP rs34565443).

Natera, Inc.
Classification: Benign for Usher syndrome type 2A. Last evaluated: 2020-09-16. Review status: no assertion criteria provided. Collection method: clinical testing. Allele origin: germline. Not counted in ClinVar's aggregate classification.

Dr. Peter K. Rogan Lab, Western University
No classification provided (evidence only). Condition: Uterine corpus endometrial carcinoma. Review status: no classification provided. Collection method: in vitro. Allele origin: not applicable. Functional consequence: retained intron. Not counted in ClinVar's aggregate classification.

Dr. Peter K. Rogan Lab, Western University
No classification provided (evidence only). Condition: Uterine corpus endometrial carcinoma. Review status: no classification provided. Collection method: in vitro. Allele origin: not applicable. Functional consequence: retained intron. Not counted in ClinVar's aggregate classification.

Dr. Peter K. Rogan Lab, Western University
No classification provided (evidence only). Condition: Familial cancer of breast. Review status: no classification provided. Collection method: in vitro. Allele origin: not applicable. Functional consequence: retained intron. Not counted in ClinVar's aggregate classification.

Dr. Peter K. Rogan Lab, Western University
No classification provided (evidence only). Condition: Cholangiocarcinoma. Review status: no classification provided. Collection method: in vitro. Allele origin: not applicable. Functional consequence: retained intron. Not counted in ClinVar's aggregate classification.

Dr. Peter K. Rogan Lab, Western University
No classification provided (evidence only). Condition: Malignant lymphoma, large B-cell, diffuse. Review status: no classification provided. Collection method: in vitro. Allele origin: not applicable. Functional consequence: retained intron. Not counted in ClinVar's aggregate classification.

Dr. Peter K. Rogan Lab, Western University
No classification provided (evidence only). Condition: Gastric cancer. Review status: no classification provided. Collection method: in vitro. Allele origin: not applicable. Functional consequence: retained intron. Not counted in ClinVar's aggregate classification.

Dr. Peter K. Rogan Lab, Western University
No classification provided (evidence only). Condition: Gastric cancer. Review status: no classification provided. Collection method: in vitro. Allele origin: not applicable. Functional consequence: retained intron. Not counted in ClinVar's aggregate classification.

NM_206933.4(USH2A):c.11549-5del

Gene: USH2A (usherin; minus strand). Cytogenetic location: 1q41.
Variant type: Deletion.
Coding change: c.11549-5del on transcript NM_206933.4 (MANE Select); 5 bases into the intron before coding-DNA position 11549, one base deleted (T; older notation c.11549-5delT).
Molecular consequence: intron variant.
Genome position (GRCh38, 1-based): chr1:215,741,542, A deleted on the plus strand (T on the coding strand, the reverse complement: USH2A is on the minus strand); the first of 12 consecutive A bases (chr1:215,741,542-215,741,553); deleting any one gives the same sequence. VCF-style (leftmost placement, unchanged base first): chr1-215741541-GA-G. GRCh37 (hg19) VCF-style: chr1-215914883-GA-G.
Other names: NC_000001.10:g.215914895del; c.11549-5delT (NM_206933.3); c.11549-16del (NM_206933.4).
Identifiers: ClinVar variation 177774 (VCV000177774.22), dbSNP rs34565443, ClinGen allele CA180742.
Genomic context (GRCh38, chr1:215,741,541, plus strand): 5'-CCATTGGGGCTGCTTCAGGTGTTTTGACAAACATCCTACTGCTAACTCCACAACTTCCTT[GA>G]AAAAAAAAAAATTGAGGTCTTTATTATTTTTCAAGCAAGGAAAAGAACTACATATTCATA-3'